The following is an entry in ClinVar:

NM_001903.5(CTNNA1):c.385C>G (p.Arg129Gly)

Gene: CTNNA1 (catenin alpha 1; plus strand). Cytogenetic location: 5q31.2.
Variant type: single nucleotide variant.
Coding change: c.385C>G on transcript NM_001903.5 (MANE Select); coding-DNA position 385, C replaced by G.
Protein change: p.Arg129Gly; replaces arginine 129 with glycine.
Molecular consequence: missense variant.
Genome position (GRCh38, 1-based): chr5:138,810,121, C>G. VCF-style: chr5-138810121-C-G. GRCh37 (hg19) VCF-style: chr5-138145810-C-G.
Other names: c.385C>G, p.Arg129Gly (NM_001290307.3, NM_001323982.2, NM_001323983.1 and 3 more transcripts); c.76C>G, p.Arg26Gly (NM_001290309.3); c.16C>G, p.Arg6Gly (NM_001290310.3); short protein forms R129G, R26G, R6G.
Identifiers: ClinVar variation 1389711 (VCV001389711.9), dbSNP rs758599826, ClinGen allele CA361123152.

ClinVar aggregate classification (germline): Uncertain significance. Review status: criteria provided, multiple submitters, no conflicts (2 of 4 stars). 3 submissions from 3 submitters: Uncertain significance (3). Last evaluated 2025-09-11.

Conditions:
Hereditary cancer-predisposing syndrome. Also called: Tumor predisposition; Hereditary neoplastic syndrome; Neoplastic Syndromes, Hereditary; Hereditary Cancer Syndrome. Identifiers: Orphanet 140162, MedGen C0027672, MeSH D009386, MONDO:0015356.

Allele frequency attached by ClinVar (database versions not stated): TOPMed below 0.00001; gnomAD 0.00001.
gnomAD v4.1: 9 of 1,614,032 alleles (0.00056%); highest among the groups gnomAD compares: Non-Finnish European, 0.00076%; no homozygotes.

Submissions (3):

Labcorp Genetics (formerly Invitae), Labcorp
Classification: Uncertain significance. Last evaluated: 2025-09-11. Review status: criteria provided, single submitter. Criteria: Invitae Variant Classification Sherloc (09022015). Collection method: clinical testing. Allele origin: germline.
Comment: This sequence change replaces arginine, which is basic and polar, with glycine, which is neutral and non-polar, at codon 129 of the CTNNA1 protein (p.Arg129Gly). This variant is not present in population databases (gnomAD no frequency). This variant has not been reported in the literature in individuals affected with CTNNA1-related conditions. ClinVar contains an entry for this variant (Variation ID: 1389711). Invitae Evidence Modeling of protein sequence and biophysical properties (such as structural, functional, and spatial information, amino acid conservation, physicochemical variation, residue mobility, and thermodynamic stability) indicates that this missense variant is expected to disrupt CTNNA1 protein function with a positive predictive value of 80%. In summary, the available evidence is currently insufficient to determine the role of this variant in disease. Therefore, it has been classified as a Variant of Uncertain Significance.

Ambry Genetics
Classification: Uncertain significance for Hereditary cancer-predisposing syndrome. Last evaluated: 2023-10-25. Review status: criteria provided, single submitter. Criteria: Ambry Variant Classification Scheme 2023. Collection method: clinical testing. Allele origin: germline.
Comment: The p.R129G variant (also known as c.385C>G), located in coding exon 3 of the CTNNA1 gene, results from a C to G substitution at nucleotide position 385. The arginine at codon 129 is replaced by glycine, an amino acid with dissimilar properties. This amino acid position is conserved. In addition, this alteration is predicted to be deleterious by in silico analysis. Since supporting evidence is limited at this time, the clinical significance of this alteration remains unclear.

Blueprint Genetics
Classification: Uncertain significance. Last evaluated: 2021-09-27. Review status: criteria provided, single submitter. Criteria: ACMG Guidelines, 2015. Collection method: clinical testing. Allele origin: germline.